The following is an entry in ClinVar:

ClinVar aggregate classification (germline): Uncertain significance (1 of 4 stars; one submission).

Submission:

GeneDx
Classification: Uncertain significance. Last evaluated: 2026-04-21. Review status: criteria provided, single submitter. Criteria: GeneDx Variant Classification Process June 2021. Collection method: clinical testing. Allele origin: germline.
Comment: Not observed at significant frequency in large population cohorts (gnomAD); In silico analysis suggests that this missense variant does not alter protein structure/function; Has not been previously published as pathogenic or benign to our knowledge

NM_002109.6(HARS1):c.1463A>G (p.Asp488Gly)

Gene: HARS1 (histidyl-tRNA synthetase 1; minus strand). Cytogenetic location: 5q31.3.
Variant type: single nucleotide variant.
Coding change: c.1463A>G on transcript NM_002109.6 (MANE Select); coding-DNA position 1463, A replaced by G.
Protein change: p.Asp488Gly; replaces aspartic acid 488 with glycine.
Molecular consequence: missense variant.
Genome position (GRCh38, 1-based): chr5:140,674,324, T>C on the plus strand (A>G on the coding strand, the complement: HARS1 is on the minus strand). VCF-style: chr5-140674324-T-C. GRCh37 (hg19) VCF-style: chr5-140053909-T-C.
Other names: c.1343A>G, p.Asp448Gly (NM_001258040.3); c.1403A>G, p.Asp468Gly (NM_001258041.3); c.1283A>G, p.Asp428Gly (NM_001258042.3); c.1241A>G, p.Asp414Gly (NM_001289092.2); c.1121A>G, p.Asp374Gly (NM_001289093.2); c.1376A>G, p.Asp459Gly (NM_001289094.2); short protein forms D374G, D414G, D428G, D448G, D459G, D468G, D488G.
Identifiers: ClinVar variation 5037411 (VCV005037411.1).